The following is an entry in ClinVar:

ClinVar aggregate classification (germline): Uncertain significance (1 of 4 stars; one submission).

Conditions:
Familial cancer of breast. Also called: Hereditary breast cancer; BREAST CANCER, FAMILIAL; hereditary breast carcinoma. Identifiers: Orphanet 227535, MedGen C0346153, MONDO:0016419, OMIM 114480. Disease mechanism: loss of function.

Submission:

Labcorp Genetics (formerly Invitae), Labcorp
Classification: Uncertain significance for Familial cancer of breast. Last evaluated: 2022-08-16. Review status: criteria provided, single submitter. Criteria: Invitae Variant Classification Sherloc (09022015). Collection method: clinical testing. Allele origin: germline.
Comment: In summary, the available evidence is currently insufficient to determine the role of this variant in disease. Therefore, it has been classified as a Variant of Uncertain Significance. Algorithms developed to predict the effect of missense changes on protein structure and function (SIFT, PolyPhen-2, Align-GVGD) all suggest that this variant is likely to be tolerated. ClinVar contains an entry for this variant (Variation ID: 1361253). This variant has not been reported in the literature in individuals affected with BARD1-related conditions. This variant is not present in population databases (gnomAD no frequency). This sequence change replaces threonine, which is neutral and polar, with isoleucine, which is neutral and non-polar, at codon 210 of the BARD1 protein (p.Thr210Ile).

NM_000465.4(BARD1):c.629C>T (p.Thr210Ile)

Gene: BARD1 (BRCA1 associated RING domain 1; minus strand). Cytogenetic location: 2q35.
Variant type: single nucleotide variant.
Coding change: c.629C>T on transcript NM_000465.4 (MANE Select); coding-DNA position 629, C replaced by T.
Protein change: p.Thr210Ile; replaces threonine 210 with isoleucine.
Molecular consequence: missense variant. On other transcripts: non-coding transcript variant (2), intron variant (3).
Genome position (GRCh38, 1-based): chr2:214,781,245, G>A on the plus strand (C>T on the coding strand, the complement: BARD1 is on the minus strand). VCF-style: chr2-214781245-G-A. GRCh37 (hg19) VCF-style: chr2-215645969-G-A.
Other names: c.572C>T, p.Thr191Ile (NM_001282543.2); c.158+28167C>T (NM_001282548.2); c.215+15816C>T (NM_001282545.2); c.364+11052C>T (NM_001282549.2); short protein forms T191I, T210I.
Identifiers: ClinVar variation 1361253 (VCV001361253.7), dbSNP rs1695008080, ClinGen allele CA350456643.